The following is an entry in ClinVar:

NM_005609.4(PYGM):c.1606del (p.Ala536fs)

Gene: PYGM (glycogen phosphorylase, muscle associated; minus strand). Cytogenetic location: 11q13.1.
Variant type: Deletion.
Coding change: c.1606del on transcript NM_005609.4 (MANE Select); coding-DNA position 1606, one base deleted (G; older notation c.1606delG).
Protein change: p.Ala536fs; shifts the reading frame from alanine 536.
Molecular consequence: frameshift variant.
Genome position (GRCh38, 1-based): chr11:64,752,417, C deleted on the plus strand (G on the coding strand, the reverse complement: PYGM is on the minus strand); the first of 2 consecutive C bases (chr11:64,752,417-64,752,418); deleting either gives the same sequence. VCF-style (leftmost placement, unchanged base first): chr11-64752416-GC-G. GRCh37 (hg19) VCF-style: chr11-64519888-GC-G.
Other names: c.1342del, p.Ala448fs (NM_001164716.1); short protein forms A448fs, A536fs.
Identifiers: ClinVar variation 5015293 (VCV005015293.1).

ClinVar aggregate classification (germline): Pathogenic (1 of 4 stars; one submission).

Conditions:
Glycogen storage disease, type V (GSD5). Also called: MCARDLE DISEASE; MUSCLE GLYCOGEN PHOSPHORYLASE DEFICIENCY; MYOPHOSPHORYLASE DEFICIENCY; PYGM DEFICIENCY; McArdle type glycogen storage disease. Identifiers: Orphanet 368, MedGen C0017924, MONDO:0009293, OMIM 232600.

Submission:

Myriad Genetics, Inc.
Classification: Pathogenic for Glycogen storage disease, type V. Last evaluated: 2025-12-06. Review status: criteria provided, single submitter. Criteria: Myriad Autosomal Dominant, Autosomal Recessive and X-Linked Classification Criteria (2023). Collection method: clinical testing. Allele origin: unknown.
Comment: NM_005609.2(PYGM):c.1606delG(A536Pfs*3) is expected to be pathogenic in the context of glycogen storage disease, PYGM-related. This variant is predicted to lead to an abnormal or absent protein product due to the creation of a premature termination codon in PYGM, a gene where loss-of-function variants are known to be pathogenic. Please note: this variant was assessed in the context of healthy population screening.